The following is an entry in ClinVar:

ClinVar aggregate classification (germline): Uncertain significance (1 of 4 stars; one submission).

Allele frequency attached by ClinVar (database versions not stated): gnomAD 0.00001.
gnomAD v4.1: 1 of 1,613,718 alleles (0.000062%); highest among the groups gnomAD compares: Non-Finnish European, 0.000085%; no homozygotes.

Submission:

Labcorp Genetics (formerly Invitae), Labcorp
Classification: Uncertain significance. Last evaluated: 2023-05-02. Review status: criteria provided, single submitter. Criteria: Invitae Variant Classification Sherloc (09022015). Collection method: clinical testing. Allele origin: germline.
Comment: In summary, the available evidence is currently insufficient to determine the role of this variant in disease. Therefore, it has been classified as a Variant of Uncertain Significance. An algorithm developed to predict the effect of missense changes on protein structure and function (PolyPhen-2) suggests that this variant is likely to be disruptive. This variant has not been reported in the literature in individuals affected with MSH3-related conditions. This variant is present in population databases (no rsID available, gnomAD 0.007%). This sequence change replaces aspartic acid, which is acidic and polar, with asparagine, which is neutral and polar, at codon 958 of the MSH3 protein (p.Asp958Asn).

NM_002439.5(MSH3):c.2872G>A (p.Asp958Asn)

Gene: MSH3 (mutS homolog 3; plus strand). Cytogenetic location: 5q14.1.
Variant type: single nucleotide variant.
Coding change: c.2872G>A on transcript NM_002439.5 (MANE Select); coding-DNA position 2872, G replaced by A.
Protein change: p.Asp958Asn; replaces aspartic acid 958 with asparagine.
Molecular consequence: missense variant.
Genome position (GRCh38, 1-based): chr5:80,854,188, G>A. VCF-style: chr5-80854188-G-A. GRCh37 (hg19) VCF-style: chr5-80150007-G-A.
Other names: short protein forms D958N.
Identifiers: ClinVar variation 2861469 (VCV002861469.1), dbSNP rs1471719512, ClinGen allele CA360275586.
Genomic context (GRCh38, chr5:80,854,188, plus strand): 5'-AGGATGGGTGCTGCAGACAATATATATAAAGGACAGAGTACATTTATGGAAGAACTGACT[G>A]ACACAGCAGAAATAATCAGAAAAGCAACATCACAGTCCTTGGTTATCTTGGATGAACTAG-3'
Protein context (NP_002430.3, residues 948-968): GQSTFMEELT[Asp958Asn]TAEIIRKATS